The following is an entry in ClinVar:

NM_015335.5(MED13L):c.4539_4542del (p.Pro1512_Tyr1513insTer)

Gene: MED13L (mediator complex subunit 13L; minus strand). Cytogenetic location: 12q24.21.
Variant type: Deletion.
Coding change: c.4539_4542del on transcript NM_015335.5 (MANE Select); coding-DNA positions 4539 to 4542, 4 bases deleted (TTTA; older notation c.4539_4542delTTTA).
Protein change: p.Pro1512_Tyr1513insTer.
Molecular consequence: nonsense.
Genome position (GRCh38, 1-based): chr12:115,983,530-115,983,533, TAAA deleted on the plus strand (TTTA on the coding strand, the reverse complement: MED13L is on the minus strand); deleting any 4 consecutive bases within chr12:115,983,530-115,983,536 gives the same sequence; the c. name uses the placement nearest the transcript's 3' end. VCF-style (leftmost placement, unchanged base first): chr12-115983529-CTAAA-C. GRCh37 (hg19) VCF-style: chr12-116421334-CTAAA-C.
Identifiers: ClinVar variation 1805304 (VCV001805304.1), dbSNP rs2499827975, ClinGen allele CA923726214.

ClinVar aggregate classification (germline): Pathogenic (1 of 4 stars; one submission).

Conditions:
Cardiac anomalies - developmental delay - facial dysmorphism syndrome (MRFACD). Also called: MED13L Syndrome; Impaired intellectual development and distinctive facial features with or without cardiac defects. Identifiers: Orphanet 369891, MedGen C5192431, MONDO:0014773, OMIM 616789.

Submission:

Victorian Clinical Genetics Services, Murdoch Childrens Research Institute
Classification: Pathogenic for Cardiac anomalies - developmental delay - facial dysmorphism syndrome. Last evaluated: 2020-10-19. Review status: criteria provided, single submitter. Criteria: ACMG Guidelines, 2015. Collection method: clinical testing. Allele origin: germline. Inheritance: Autosomal dominant inheritance.
Comment: Based on the classification scheme VCGS_Germline_v1.1.1, this variant is classified as pathogenic. Following criteria are met: 0102 - Loss-of-function is a known mechanism of disease for this gene. (N) 0107 - This gene is known to be associated with autosomal dominant disease. (N) 0201 - Variant is predicted to cause nonsense-mediated decay (NMD) and loss of protein. This variant is in exon 21 of 31 of the MED13L gene. (P) 0251 - Variant is heterozygous. (N) 0301 - Variant is absent from gnomAD. (P) 0701 - Comparable variants also predicted to result in NMD, have very strong previous evidence for pathogenicity in patients with intellectual disability and dysmorphic features (Decipher, PMID: 25712080). (P) 0807 - Variant has not previously been reported in a clinical context. (N) 0905 - No segregation evidence has been identified for this variant in the literature. (N) 1007 - No published functional evidence has been identified for this variant. (P) Legend: (P) - Pathogenic, (N) - Neutral, (B) - Benign

Literature cited by the submitters: PubMed 25712080.